The following is an entry in ClinVar:

ClinVar aggregate classification (germline): Benign (1 of 4 stars; one submission).

Conditions:
Oligodontia-cancer predisposition syndrome. Also called: TOOTH AGENESIS-COLORECTAL CANCER SYNDROME. Identifiers: Orphanet 300576, MedGen C1837750, MONDO:0012075, OMIM 608615. Disease mechanism: loss of function.

Submission:

Myriad Genetics, Inc.
Classification: Benign for Oligodontia-cancer predisposition syndrome. Last evaluated: 2024-07-01. Review status: criteria provided, single submitter. Criteria: Myriad Autosomal Dominant, Autosomal Recessive and X-Linked Classification Criteria (2023). Collection method: clinical testing. Allele origin: unknown.
Comment: This variant is considered benign. This variant is a silent/synonymous amino acid change and it is not expected to impact splicing.

NM_004655.4(AXIN2):c.1197A>G (p.Arg399=)

Gene: AXIN2 (axin 2; minus strand). Cytogenetic location: 17q24.1.
Variant type: single nucleotide variant.
Coding change: c.1197A>G on transcript NM_004655.4 (MANE Select); coding-DNA position 1197, A replaced by G.
Protein change: p.Arg399=; no amino-acid change (arginine 399 retained).
Molecular consequence: synonymous variant.
Genome position (GRCh38, 1-based): chr17:65,538,206, T>C on the plus strand (A>G on the coding strand, the complement: AXIN2 is on the minus strand). VCF-style: chr17-65538206-T-C. GRCh37 (hg19) VCF-style: chr17-63534324-T-C.
Other names: c.1197A>G, p.Arg399= (NM_001363813.1).
Identifiers: ClinVar variation 3379027 (VCV003379027.1).